The following is an entry in ClinVar:

NM_000081.4(LYST):c.3573A>C (p.Glu1191Asp)

Gene: LYST (lysosomal trafficking regulator; minus strand). Cytogenetic location: 1q42.3.
Variant type: single nucleotide variant.
Coding change: c.3573A>C on transcript NM_000081.4 (MANE Select); coding-DNA position 3573, A replaced by C.
Protein change: p.Glu1191Asp; replaces glutamic acid 1191 with aspartic acid.
Molecular consequence: missense variant.
Genome position (GRCh38, 1-based): chr1:235,803,047, T>G on the plus strand (A>C on the coding strand, the complement: LYST is on the minus strand). VCF-style: chr1-235803047-T-G. GRCh37 (hg19) VCF-style: chr1-235966347-T-G.
Other names: c.3573A>C, p.Glu1191Asp (NM_001301365.1); short protein forms E1191D.
Identifiers: ClinVar variation 657201 (VCV000657201.8), dbSNP rs2527038077, ClinGen allele CA344947516.

ClinVar aggregate classification (germline): Uncertain significance (1 of 4 stars; one submission).

Conditions:
Chédiak-Higashi syndrome (CHS). Also called: Chediak-Higashi Syndrome. Identifiers: Orphanet 167, MedGen C0007965, MONDO:0008963, OMIM 214500.

Submission:

Labcorp Genetics (formerly Invitae), Labcorp
Classification: Uncertain significance for Chédiak-Higashi syndrome. Last evaluated: 2018-10-14. Review status: criteria provided, single submitter. Criteria: Invitae Variant Classification Sherloc (09022015). Collection method: clinical testing. Allele origin: germline.
Comment: In summary, the available evidence is currently insufficient to determine the role of this variant in disease. Therefore, it has been classified as a Variant of Uncertain Significance. Algorithms developed to predict the effect of missense changes on protein structure and function are either unavailable or do not agree on the potential impact of this missense change (SIFT: "Tolerated"; PolyPhen-2: "Possibly Damaging"; Align-GVGD: "Class C0"). This variant has not been reported in the literature in individuals with LYST-related disease. This variant is not present in population databases (ExAC no frequency). This sequence change replaces glutamic acid with aspartic acid at codon 1191 of the LYST protein (p.Glu1191Asp). The glutamic acid residue is weakly conserved and there is a small physicochemical difference between glutamic acid and aspartic acid.